The following is an entry in ClinVar:

ClinVar aggregate classification (germline): Uncertain significance (1 of 4 stars; one submission).

Submission:

Labcorp Genetics (formerly Invitae), Labcorp
Classification: Uncertain significance. Last evaluated: 2022-06-18. Review status: criteria provided, single submitter. Criteria: Invitae Variant Classification Sherloc (09022015). Collection method: clinical testing. Allele origin: germline.
Comment: In summary, the available evidence is currently insufficient to determine the role of this variant in disease. Therefore, it has been classified as a Variant of Uncertain Significance. Algorithms developed to predict the effect of missense changes on protein structure and function (SIFT, PolyPhen-2, Align-GVGD) all suggest that this variant is likely to be tolerated. This variant has not been reported in the literature in individuals affected with KIAA1549-related conditions. This variant is not present in population databases (gnomAD no frequency). This sequence change replaces aspartic acid, which is acidic and polar, with alanine, which is neutral and non-polar, at codon 512 of the KIAA1549 protein (p.Asp512Ala).

NM_001164665.2(KIAA1549):c.1535A>C (p.Asp512Ala)

Gene: KIAA1549 (KIAA1549; minus strand). Cytogenetic location: 7q34.
Variant type: single nucleotide variant.
Coding change: c.1535A>C on transcript NM_001164665.2 (MANE Select); coding-DNA position 1535, A replaced by C.
Protein change: p.Asp512Ala; replaces aspartic acid 512 with alanine.
Molecular consequence: missense variant.
Genome position (GRCh38, 1-based): chr7:138,918,091, T>G on the plus strand (A>C on the coding strand, the complement: KIAA1549 is on the minus strand). VCF-style: chr7-138918091-T-G. GRCh37 (hg19) VCF-style: chr7-138602837-T-G.
Other names: c.1535A>C, p.Asp512Ala (NM_020910.3); short protein forms D512A.
Identifiers: ClinVar variation 2008110 (VCV002008110.4), dbSNP rs2485558783, ClinGen allele CA369398242.